The following is an entry in ClinVar:

NM_002336.3(LRP6):c.4071A>C (p.Glu1357Asp)

Gene: LRP6 (LDL receptor related protein 6; minus strand). Cytogenetic location: 12p13.2.
Variant type: single nucleotide variant.
Coding change: c.4071A>C on transcript NM_002336.3 (MANE Select); coding-DNA position 4071, A replaced by C.
Protein change: p.Glu1357Asp; replaces glutamic acid 1357 with aspartic acid.
Molecular consequence: missense variant. On other transcripts: non-coding transcript variant (1).
Genome position (GRCh38, 1-based): chr12:12,130,793, T>G on the plus strand (A>C on the coding strand, the complement: LRP6 is on the minus strand). VCF-style: chr12-12130793-T-G. GRCh37 (hg19) VCF-style: chr12-12283727-T-G.
Other names: c.4071A>C (NM_002336.2); c.4164A>C, p.Glu1388Asp (NM_001414244.1); c.4071A>C, p.Glu1357Asp (NM_001414245.1, NM_001414248.1, NM_001414249.1 and 1 more transcripts); c.3936A>C, p.Glu1312Asp (NM_001414246.1); c.3873A>C, p.Glu1291Asp (NM_001414247.1); c.3708A>C, p.Glu1236Asp (NM_001414251.1); c.3618A>C, p.Glu1206Asp (NM_001414252.1, NM_001414253.1, NM_001414254.1); c.3564A>C, p.Glu1188Asp (NM_001414255.1); short protein forms E1188D, E1291D, E1357D, E1388D, E1236D, E1206D, E1312D.
Identifiers: ClinVar variation 3700930 (VCV003700930.3).

ClinVar aggregate classification (germline): Uncertain significance. Review status: criteria provided, multiple submitters, no conflicts (2 of 4 stars). 2 submissions from 2 submitters: Uncertain significance (2). Last evaluated 2025-01-14.

Conditions:
Inborn genetic diseases. Identifiers: MedGen C0950123, MeSH D030342.

gnomAD v4.1: 6 of 1,605,304 alleles (0.00037%); highest among the groups gnomAD compares: Non-Finnish European, 0.00051%; no homozygotes.

Submissions (2):

Ambry Genetics
Classification: Uncertain significance for Inborn genetic diseases. Last evaluated: 2025-01-14. Review status: criteria provided, single submitter. Criteria: Ambry Variant Classification Scheme 2023. Collection method: clinical testing. Allele origin: germline.

Labcorp Genetics (formerly Invitae), Labcorp
Classification: Uncertain significance. Last evaluated: 2024-11-18. Review status: criteria provided, single submitter. Criteria: Invitae Variant Classification Sherloc (09022015). Collection method: clinical testing. Allele origin: germline.
Comment: This sequence change replaces glutamic acid, which is acidic and polar, with aspartic acid, which is acidic and polar, at codon 1357 of the LRP6 protein (p.Glu1357Asp). This variant is present in population databases (no rsID available, gnomAD 0.002%). This variant has not been reported in the literature in individuals affected with LRP6-related conditions. Invitae Evidence Modeling of protein sequence and biophysical properties (such as structural, functional, and spatial information, amino acid conservation, physicochemical variation, residue mobility, and thermodynamic stability) has been performed for this missense variant. However, the output from this modeling did not meet the statistical confidence thresholds required to predict the impact of this variant on LRP6 protein function. In summary, the available evidence is currently insufficient to determine the role of this variant in disease. Therefore, it has been classified as a Variant of Uncertain Significance.